The following is an entry in ClinVar:

ClinVar aggregate classification (germline): Uncertain significance. Review status: criteria provided, multiple submitters, no conflicts (2 of 4 stars). 2 submissions from 2 submitters: Uncertain significance (2). Last evaluated 2023-06-27.

Submissions (2):

GeneDx
Classification: Uncertain significance. Last evaluated: 2023-06-27. Review status: criteria provided, single submitter. Criteria: GeneDx Variant Classification Process June 2021. Collection method: clinical testing. Allele origin: germline. Affected: yes.
Comment: Not observed at significant frequency in large population cohorts (gnomAD); In silico analysis supports that this missense variant does not alter protein structure/function; Has not been previously published as pathogenic or benign to our knowledge

Labcorp Genetics (formerly Invitae), Labcorp
Classification: Uncertain significance. Last evaluated: 2021-01-13. Review status: criteria provided, single submitter. Criteria: Invitae Variant Classification Sherloc (09022015). Collection method: clinical testing. Allele origin: germline.
Comment: This sequence change replaces serine with phenylalanine at codon 689 of the NCKAP1 protein (p.Ser689Phe). The serine residue is highly conserved and there is a large physicochemical difference between serine and phenylalanine. This variant is not present in population databases (ExAC no frequency). This variant has not been reported in the literature in individuals with NCKAP1-related conditions. Algorithms developed to predict the effect of missense changes on protein structure and function are either unavailable or do not agree on the potential impact of this missense change (SIFT: "Deleterious"; PolyPhen-2: "Benign"; Align-GVGD: "Class C0"). In summary, the available evidence is currently insufficient to determine the role of this variant in disease. Therefore, it has been classified as a Variant of Uncertain Significance.

NM_013436.5(NCKAP1):c.2048C>T (p.Ser683Phe)

Gene: NCKAP1 (NCK associated protein 1; minus strand). Cytogenetic location: 2q32.1.
Variant type: single nucleotide variant.
Coding change: c.2048C>T on transcript NM_013436.5 (MANE Select); coding-DNA position 2048, C replaced by T.
Protein change: p.Ser683Phe; replaces serine 683 with phenylalanine.
Molecular consequence: missense variant.
Genome position (GRCh38, 1-based): chr2:182,956,567, G>A on the plus strand (C>T on the coding strand, the complement: NCKAP1 is on the minus strand). VCF-style: chr2-182956567-G-A. GRCh37 (hg19) VCF-style: chr2-183821295-G-A.
Other names: c.2066C>T (NM_205842.2); c.2066C>T, p.Ser689Phe (NM_205842.3); short protein forms S683F, S689F.
Identifiers: ClinVar variation 1515703 (VCV001515703.9), dbSNP rs2105826542, ClinGen allele CA349758449.